The following is an entry in ClinVar:

NM_001330360.2(POLA1):c.3001A>C (p.Asn1001His)

Gene: POLA1 (DNA polymerase alpha 1, catalytic subunit; plus strand). Cytogenetic location: Xp22.11.
Variant type: single nucleotide variant.
Coding change: c.3001A>C on transcript NM_001330360.2 (MANE Select); coding-DNA position 3001, A replaced by C.
Protein change: p.Asn1001His; replaces asparagine 1001 with histidine.
Molecular consequence: missense variant. On other transcripts: non-coding transcript variant (2).
Genome position (GRCh38, 1-based): chrX:24,810,711, A>C. VCF-style: chrX-24810711-A-C. GRCh37 (hg19) VCF-style: chrX-24828828-A-C.
Other names: c.2926A>C, p.Asn976His (NM_001378303.1); c.2983A>C, p.Asn995His (NM_016937.4); short protein forms N995H, N1001H, N976H.
Identifiers: ClinVar variation 1409107 (VCV001409107.8), dbSNP rs2148495493, ClinGen allele CA412524418.

ClinVar aggregate classification (germline): Uncertain significance (1 of 4 stars; one submission).

gnomAD v4.1: 1 of 960,008 alleles (0.0001%); highest among the groups gnomAD compares: Non-Finnish European, 0.00015%; no homozygotes.

Submission:

Labcorp Genetics (formerly Invitae), Labcorp
Classification: Uncertain significance. Last evaluated: 2024-02-26. Review status: criteria provided, single submitter. Criteria: Invitae Variant Classification Sherloc (09022015). Collection method: clinical testing. Allele origin: germline.
Comment: This sequence change replaces asparagine, which is neutral and polar, with histidine, which is basic and polar, at codon 995 of the POLA1 protein (p.Asn995His). This variant is not present in population databases (gnomAD no frequency). This variant has not been reported in the literature in individuals affected with POLA1-related conditions. ClinVar contains an entry for this variant (Variation ID: 1409107). Advanced modeling of protein sequence and biophysical properties (such as structural, functional, and spatial information, amino acid conservation, physicochemical variation, residue mobility, and thermodynamic stability) performed at Invitae indicates that this missense variant is expected to disrupt POLA1 protein function with a positive predictive value of 80%. In summary, the available evidence is currently insufficient to determine the role of this variant in disease. Therefore, it has been classified as a Variant of Uncertain Significance.